The following is an entry in ClinVar:

NM_005879.3(TRAIP):c.166A>G (p.Arg56Gly)

Gene: TRAIP (TRAF interacting protein; minus strand). Cytogenetic location: 3p21.31.
Variant type: single nucleotide variant.
Coding change: c.166A>G on transcript NM_005879.3 (MANE Select); coding-DNA position 166, A replaced by G.
Protein change: p.Arg56Gly; replaces arginine 56 with glycine.
Molecular consequence: missense variant.
Genome position (GRCh38, 1-based): chr3:49,847,599, T>C on the plus strand (A>G on the coding strand, the complement: TRAIP is on the minus strand). VCF-style: chr3-49847599-T-C. GRCh37 (hg19) VCF-style: chr3-49885032-T-C.
Other names: short protein forms R56G.
Identifiers: ClinVar variation 2989650 (VCV002989650.3), dbSNP rs1318499901, ClinGen allele CA352843270.

ClinVar aggregate classification (germline): Uncertain significance (1 of 4 stars; one submission).

Allele frequency attached by ClinVar (database versions not stated): gnomAD exomes 0.00001; TOPMed 0.00001; gnomAD 0.00001.
gnomAD v4.1: 20 of 1,608,994 alleles (0.0012%); highest among the groups gnomAD compares: Non-Finnish European, 0.0016%; no homozygotes.

Submission:

Labcorp Genetics (formerly Invitae), Labcorp
Classification: Uncertain significance. Last evaluated: 2025-05-01. Review status: criteria provided, single submitter. Criteria: Invitae Variant Classification Sherloc (09022015). Collection method: clinical testing. Allele origin: germline.
Comment: This sequence change replaces arginine, which is basic and polar, with glycine, which is neutral and non-polar, at codon 56 of the TRAIP protein (p.Arg56Gly). This variant is not present in population databases (gnomAD no frequency). This variant has not been reported in the literature in individuals affected with TRAIP-related conditions. ClinVar contains an entry for this variant (Variation ID: 2989650). An algorithm developed to predict the effect of missense changes on protein structure and function (PolyPhen-2) suggests that this variant is likely to be disruptive. In summary, the available evidence is currently insufficient to determine the role of this variant in disease. Therefore, it has been classified as a Variant of Uncertain Significance.